The following is an entry in ClinVar:

ClinVar aggregate classification (germline): Pathogenic (1 of 4 stars; one submission).

Submission:

Labcorp Genetics (formerly Invitae), Labcorp
Classification: Pathogenic. Last evaluated: 2024-08-12. Review status: criteria provided, single submitter. Criteria: Invitae Variant Classification Sherloc (09022015). Collection method: clinical testing. Allele origin: germline.
Comment: This sequence change creates a premature translational stop signal (p.Glu453*) in the PHEX gene. It is expected to result in an absent or disrupted protein product. Loss-of-function variants in PHEX are known to be pathogenic (PMID: 9097956, 9106524, 19219621). This variant is not present in population databases (gnomAD no frequency). This variant has not been reported in the literature in individuals affected with PHEX-related conditions. For these reasons, this variant has been classified as Pathogenic.

Literature cited by the submitters: PubMed 9097956; PubMed 9106524; PubMed 19219621.

NM_000444.6(PHEX):c.1357G>T (p.Glu453Ter)

Gene: PHEX (phosphate regulating endopeptidase X-linked; plus strand). Cytogenetic location: Xp22.11.
Variant type: single nucleotide variant.
Coding change: c.1357G>T on transcript NM_000444.6 (MANE Select); coding-DNA position 1357, G replaced by T.
Protein change: p.Glu453Ter; replaces glutamic acid 453 with a stop codon.
Molecular consequence: nonsense.
Genome position (GRCh38, 1-based): chrX:22,133,577, G>T. VCF-style: chrX-22133577-G-T. GRCh37 (hg19) VCF-style: chrX-22151694-G-T.
Other names: c.1357G>T, p.Glu453Ter (NM_001282754.2); short protein forms E453*.
Identifiers: ClinVar variation 3662172 (VCV003662172.2).
Genomic context (GRCh38, chrX:22,133,577, plus strand): 5'-TTGTAGATGGAGGAATTGGTTGAGGGCGTTCGCTGGGCCTTTATTGACATGCTAGAGAAA[G>T]AAAATGAGTGGATGGATGCAGGAACGAAAAGGAAAGCCAAAGAAAAGGTAAGGATTCCTT-3'